The following is an entry in ClinVar:

ClinVar aggregate classification (germline): Uncertain significance (1 of 4 stars; one submission).

gnomAD v4.1: 2 of 1,612,388 alleles (0.00012%); highest among the groups gnomAD compares: African/African-American, 0.0027%; no homozygotes.

Submission:

Mayo Clinic Laboratories, Mayo Clinic
Classification: Uncertain significance. Last evaluated: 2025-01-17. Review status: criteria provided, single submitter. Criteria: ACMG Guidelines, 2015. Collection method: clinical testing. Allele origin: germline. Observed: 1 variant allele.
Comment: PM2_supporting

NM_001129.5(AEBP1):c.2453C>T (p.Ser818Phe)

Gene: AEBP1 (AE binding protein 1; plus strand). Cytogenetic location: 7p13.
Variant type: single nucleotide variant.
Coding change: c.2453C>T on transcript NM_001129.5 (MANE Select); coding-DNA position 2453, C replaced by T.
Protein change: p.Ser818Phe; replaces serine 818 with phenylalanine.
Molecular consequence: missense variant.
Genome position (GRCh38, 1-based): chr7:44,112,793, C>T. VCF-style: chr7-44112793-C-T. GRCh37 (hg19) VCF-style: chr7-44152392-C-T.
Other names: p.Ser818Phe; short protein forms S818F.
Identifiers: ClinVar variation 4541282 (VCV004541282.1).